The following is an entry in ClinVar:

NM_001369146.2(ALDH3A2):c.1208-3837del

Gene: ALDH3A2 (aldehyde dehydrogenase 3 family member A2; plus strand). Cytogenetic location: 17p11.2.
Variant type: Deletion.
Coding change: c.1208-3837del on transcript NM_001369146.2; 3837 bases into the intron before coding-DNA position 1208, one base deleted (G; older notation c.1208-3837delG).
Molecular consequence: intron variant.
Genome position (GRCh38, 1-based): chr17:19,671,721, G deleted; the last of 2 consecutive G bases (chr17:19,671,720-19,671,721); deleting either gives the same sequence. VCF-style (leftmost placement, unchanged base first): chr17-19671719-AG-A. GRCh37 (hg19) VCF-style: chr17-19575032-AG-A.
Identifiers: ClinVar variation 2865193 (VCV002865193.3), dbSNP rs2544405181, ClinGen allele CA2739267250.

ClinVar aggregate classification (germline): Pathogenic (1 of 4 stars; one submission).

Submission:

Labcorp Genetics (formerly Invitae), Labcorp
Classification: Pathogenic. Last evaluated: 2023-05-17. Review status: criteria provided, single submitter. Criteria: Invitae Variant Classification Sherloc (09022015). Collection method: clinical testing. Allele origin: germline.
Comment: Algorithms developed to predict the effect of sequence changes on RNA splicing suggest that this variant may disrupt the consensus splice site. This sequence change creates a premature translational stop signal (p.Gly403Valfs*25) in the ALDH3A2 gene. It is expected to result in an absent or disrupted protein product. Loss-of-function variants in ALDH3A2 are known to be pathogenic (PMID: 10577908, 10854114). This variant is not present in population databases (gnomAD no frequency). This variant has not been reported in the literature in individuals affected with ALDH3A2-related conditions. For these reasons, this variant has been classified as Pathogenic.

Literature cited by the submitters: PubMed 10577908; PubMed 10854114.